The following is an entry in ClinVar:

NM_001267550.2(TTN):c.83514C>T (p.Phe27838=)

Genes: TTN (titin; minus strand), TTN-AS1 (TTN antisense RNA 1; plus strand). Cytogenetic location: 2q31.2.
Variant type: single nucleotide variant.
Coding change: c.83514C>T on transcript NM_001267550.2 (MANE Select); coding-DNA position 83514, C replaced by T.
Protein change: p.Phe27838=; no amino-acid change (phenylalanine 27838 retained).
Molecular consequence: synonymous variant.
Genome position (GRCh38, 1-based): chr2:178,562,618, G>A on the plus strand (C>T on the coding strand, the complement: TTN is on the minus strand). VCF-style: chr2-178562618-G-A. GRCh37 (hg19) VCF-style: chr2-179427345-G-A.
Other names: c.75810C>T, p.Phe25270= (NM_133378.4); c.78591C>T, p.Phe26197= (NM_001256850.1); c.56319C>T, p.Phe18773= (NM_003319.4); c.56694C>T, p.Phe18898= (NM_133432.3); c.56895C>T, p.Phe18965= (NM_133437.4).
Identifiers: ClinVar variation 228155 (VCV000228155.16), dbSNP rs779213695, ClinGen allele CA1988910.
Genomic context (GRCh38, chr2:178,562,618, plus strand): 5'-AACGGGTTCTGTTGTTTCAGCTGGCAAACCAATCCCATATTCATTGGAAGCCAAGACTCG[G>A]AAGTAGTAAGAACATCCTTCTTGTAGATTTTCAATTCTGAAAGTAGTTTTAGTGCAATTA-3'
Protein context (NP_001254479.2, residues 27828-27848): ENLQEGCSYY[Phe27838=]RVLASNEYGI

ClinVar aggregate classification (germline): Likely benign. Review status: criteria provided, multiple submitters, no conflicts (2 of 4 stars). 4 submissions from 4 submitters: Likely benign (4). Last evaluated 2024-12-07.

Conditions:
Autosomal recessive limb-girdle muscular dystrophy type 2J (LGMDR10). Also called: Limb-girdle muscular dystrophy, type 2J; MUSCULAR DYSTROPHY, LIMB-GIRDLE, AUTOSOMAL RECESSIVE 10. Identifiers: Orphanet 140922, MedGen C1837342, MONDO:0012127, OMIM 608807.
Dilated cardiomyopathy 1G (CMD1G). Identifiers: Orphanet 154, MedGen C1858763, MONDO:0011400, OMIM 604145.
Cardiovascular phenotype. Identifiers: MedGen CN230736.

Allele frequency attached by ClinVar (database versions not stated): TOPMed 0.00001; gnomAD exomes 0.00002 and 0.00009; gnomAD 0.00005 and 0.00006; ExAC 0.00013.
gnomAD v4.1: 40 of 1,608,230 alleles (0.0025%); highest among the groups gnomAD compares: Non-Finnish European, 0.0015%; no homozygotes.

Submissions (4):

Ambry Genetics
Classification: Likely benign for Cardiovascular phenotype. Last evaluated: 2024-12-07. Review status: criteria provided, single submitter. Criteria: Ambry Variant Classification Scheme 2023. Collection method: clinical testing. Allele origin: germline.

Labcorp Genetics (formerly Invitae), Labcorp
Classification: Likely benign for Dilated cardiomyopathy 1G; Autosomal recessive limb-girdle muscular dystrophy type 2J. Last evaluated: 2024-04-22. Review status: criteria provided, single submitter. Criteria: Invitae Variant Classification Sherloc (09022015). Collection method: clinical testing. Allele origin: germline.

Blueprint Genetics
Classification: Likely benign. Last evaluated: 2021-05-07. Review status: criteria provided, single submitter. Criteria: ACMG Guidelines, 2015. Collection method: clinical testing. Allele origin: germline.

Laboratory for Molecular Medicine, Mass General Brigham Personalized Medicine
Classification: Likely benign. Last evaluated: 2015-03-20. Review status: criteria provided, single submitter. Criteria: LMM Criteria. Collection method: clinical testing. Allele origin: germline. Observed: 1 variant allele.
Comment: p.Phe25270Phe in exon 275 of TTN: This variant is not expected to have clinical significance because it does not alter an amino acid residue and is not located within the splice consensus sequence. This variant has been identified in 14/662 46 European chromosomes by the Exome Aggregation Consortium (ExAC).